The following is an entry in ClinVar:

NM_001369.3(DNAH5):c.9373+5G>T

Gene: DNAH5 (dynein axonemal heavy chain 5; minus strand). Cytogenetic location: 5p15.2.
Variant type: single nucleotide variant.
Coding change: c.9373+5G>T on transcript NM_001369.3 (MANE Select); 5 bases into the intron after coding-DNA position 9373, G replaced by T.
Molecular consequence: intron variant.
Genome position (GRCh38, 1-based): chr5:13,776,434, C>A on the plus strand (G>T on the coding strand, the complement: DNAH5 is on the minus strand). VCF-style: chr5-13776434-C-A. GRCh37 (hg19) VCF-style: chr5-13776543-C-A.
Identifiers: ClinVar variation 3775623 (VCV003775623.1).

ClinVar aggregate classification (germline): Uncertain significance (1 of 4 stars; one submission).

Conditions:
Primary ciliary dyskinesia 3. Identifiers: Orphanet 244, MedGen C1837618, MONDO:0012085, OMIM 608644.

Submission:

3billion
Classification: Uncertain significance for Primary ciliary dyskinesia 3. Last evaluated: 2023-09-07. Review status: criteria provided, single submitter. Criteria: ACMG Guidelines, 2015. Collection method: clinical testing. Allele origin: germline. Affected: yes.
Comment: The variant is not observed in the gnomAD v2.1.1 dataset. Predicted Consequence/Location: Intron variant In silico tools predict the variant to alter splicing and produce an abnormal transcript [SpliceAI: 0.94 (>=0.2, moderate evidence for spliceogenicity)]. Therefore, this variant is classified as VUS according to the recommendation of ACMG/AMP guideline.